The following is an entry in ClinVar:

NM_001854.4(COL11A1):c.1999-10T>C

Gene: COL11A1 (collagen type XI alpha 1 chain; minus strand). Cytogenetic location: 1p21.1.
Variant type: single nucleotide variant.
Coding change: c.1999-10T>C on transcript NM_001854.4 (MANE Select); 10 bases into the intron before coding-DNA position 1999, T replaced by C.
Molecular consequence: intron variant.
Genome position (GRCh38, 1-based): chr1:103,002,801, A>G on the plus strand (T>C on the coding strand, the complement: COL11A1 is on the minus strand). VCF-style: chr1-103002801-A-G. GRCh37 (hg19) VCF-style: chr1-103468357-A-G.
Other names: c.1882-10T>C (NM_001190709.2); c.2035-10T>C (NM_080629.3); c.1651-10T>C (NM_080630.4).
Identifiers: ClinVar variation 931132 (VCV000931132.3), dbSNP rs1665243141, ClinGen allele CA1139656254.
Genomic context (GRCh38, chr1:103,002,801, plus strand): 5'-ACATACCATGTTCCCTTTTGGTCCTGGGGGGCCATCTACACCTGCCATACCCTGCAATGA[A>G]GAAAAAGTATTTATGGTTGTTTATATGTTTTGATGCTAAAACAGAAAATCAAAAAGACTA-3'

ClinVar aggregate classification (germline): Uncertain significance (1 of 4 stars; one submission).

Conditions:
Marshall syndrome (MRSHS). Identifiers: Orphanet 560, MedGen C0265235, MONDO:0007949, OMIM 154780.

Allele frequency attached by ClinVar (database versions not stated): gnomAD exomes below 0.00001.
gnomAD v4.1: 1 of 1,612,504 alleles (0.000062%); highest among the groups gnomAD compares: Non-Finnish European, 0.000085%; no homozygotes.

Submission:

Centre for Mendelian Genomics, University Medical Centre Ljubljana
Classification: Uncertain significance for Marshall syndrome. Last evaluated: 2019-04-08. Review status: criteria provided, single submitter. Criteria: ACMG Guidelines, 2015. Collection method: clinical testing. Allele origin: unknown. Affected: yes.
Comment: This variant was classified as: Uncertain significance. The available evidence on this variant's pathogenicity is insufficient or conflicting. The following ACMG criteria were applied in classifying this variant: PM2.